The following is an entry in ClinVar:

NC_000008.10:g.(?_74888497)_(75274233_?)dup

Genes: LY96 (lymphocyte antigen 96; plus strand), GDAP1 (ganglioside induced differentiation associated protein 1; plus strand), JPH1 (junctophilin 1; minus strand), TMEM70 (transmembrane protein 70; plus strand), LOC130000614 (ATAC-STARR-seq lymphoblastoid silent region 19297; plus strand) and 10 more. Cytogenetic location: 8q21.11.
Variant type: Duplication.
Identifiers: ClinVar variation 658994 (VCV000658994.2).

ClinVar aggregate classification (germline): Uncertain significance (1 of 4 stars; one submission).

Conditions:
Charcot-Marie-Tooth disease type 4A. Also called: Charcot-Marie-Tooth disease, demyelinating, autosomal recessive, type 4a. Identifiers: Orphanet 99948, MedGen C1859198, MONDO:0008961, OMIM 214400.

Submission:

Labcorp Genetics (formerly Invitae), Labcorp
Classification: Uncertain significance for Charcot-Marie-Tooth disease type 4A. Last evaluated: 2018-07-11. Review status: criteria provided, single submitter. Criteria: Invitae Variant Classification Sherloc (09022015). Collection method: clinical testing. Allele origin: germline.
Comment: This variant results in a copy number gain of the genomic region encompassing the full coding sequence of the GDAP1 gene. The boundaries of this event are unknown as they extend beyond the assayed region for this gene and therefore may encompass additional genes. As the precise location of this event is unknown, it may be in tandem or it may be located elsewhere in the genome. This variant has not been reported in the literature in individuals with GDAP1-related disease. Experimental studies are not available for this variant, and the functional significance of a copy number gain of this gene is currently unknown. In summary, the available evidence is currently insufficient to determine the role of this variant in disease. Therefore, it has been classified as a Variant of Uncertain Significance.